The following is an entry in ClinVar:

ClinVar aggregate classification (germline): Benign/Likely benign. Review status: criteria provided, multiple submitters, no conflicts (2 of 4 stars). 6 submissions from 6 submitters: Benign (1); Likely benign (5). Last evaluated 2025-12-03.

Conditions:
Familial cancer of breast. Also called: BREAST CANCER, FAMILIAL; Hereditary breast cancer; hereditary breast carcinoma. Identifiers: Orphanet 227535, MedGen C0346153, MONDO:0016419, OMIM 114480. Disease mechanism: loss of function.
Hereditary cancer-predisposing syndrome. Also called: Hereditary Cancer Syndrome; Neoplastic Syndromes, Hereditary; Tumor predisposition; Hereditary neoplastic syndrome. Identifiers: Orphanet 140162, MedGen C0027672, MeSH D009386, MONDO:0015356.
Breast-ovarian cancer, familial, susceptibility to, 5 (BROVCA5). Identifiers: MedGen C5830615, MONDO:0957530, OMIM 620442.

Allele frequency attached by ClinVar (database versions not stated): gnomAD exomes below 0.00001; ExAC 0.00001.
gnomAD v4.1: 1 of 1,613,988 alleles (0.000062%); highest among the groups gnomAD compares: Non-Finnish European, 0.000085%; no homozygotes.

Submissions (6):

Labcorp Genetics (formerly Invitae), Labcorp
Classification: Likely benign for Familial cancer of breast. Last evaluated: 2025-12-03. Review status: criteria provided, single submitter. Criteria: Invitae Variant Classification Sherloc (09022015). Collection method: clinical testing. Allele origin: germline.

Myriad Genetics, Inc.
Classification: Benign for Familial cancer of breast. Last evaluated: 2025-01-13. Review status: criteria provided, single submitter. Criteria: Myriad Autosomal Dominant, Autosomal Recessive and X-Linked Classification Criteria (2023). Collection method: clinical testing. Allele origin: unknown.
Comment: This variant is considered benign. This variant is a silent/synonymous amino acid change and it is not expected to impact splicing.

Department of Pathology and Laboratory Medicine, Sinai Health System
Classification: Likely benign for Breast-ovarian cancer, familial, susceptibility to, 5. Last evaluated: 2022-01-24. Review status: criteria provided, single submitter. Criteria: ACMG Guidelines, 2015. Collection method: clinical testing. Allele origin: germline. Affected: yes.

Color Diagnostics, LLC DBA Color Health
Classification: Likely benign for Hereditary cancer-predisposing syndrome. Last evaluated: 2018-12-04. Review status: criteria provided, single submitter. Criteria: ACMG Guidelines, 2015. Collection method: clinical testing. Allele origin: germline.

GeneDx
Classification: Likely benign. Last evaluated: 2017-03-13. Review status: criteria provided, single submitter. Criteria: GeneDx Variant Classification (06012015). Collection method: clinical testing. Allele origin: germline. Affected: yes.
Comment: This variant is considered likely benign or benign based on one or more of the following criteria: it is a conservative change, it occurs at a poorly conserved position in the protein, it is predicted to be benign by multiple in silico algorithms, and/or has population frequency not consistent with disease.

Ambry Genetics
Classification: Likely benign for Hereditary cancer-predisposing syndrome. Last evaluated: 2015-12-03. Review status: criteria provided, single submitter. Criteria: Ambry Variant Classification Scheme 2023. Collection method: clinical testing. Allele origin: germline.

NM_024675.4(PALB2):c.1125A>C (p.Leu375=)

Gene: PALB2 (partner and localizer of BRCA2; minus strand). Cytogenetic location: 16p12.2.
Variant type: single nucleotide variant.
Coding change: c.1125A>C on transcript NM_024675.4 (MANE Select); coding-DNA position 1125, A replaced by C.
Protein change: p.Leu375=; no amino-acid change (leucine 375 retained).
Molecular consequence: synonymous variant.
Genome position (GRCh38, 1-based): chr16:23,635,421, T>G on the plus strand (A>C on the coding strand, the complement: PALB2 is on the minus strand). VCF-style: chr16-23635421-T-G. GRCh37 (hg19) VCF-style: chr16-23646742-T-G.
Identifiers: ClinVar variation 480932 (VCV000480932.21), dbSNP rs767284930, ClinGen allele CA7963730.
Genomic context (GRCh38, chr16:23,635,421, plus strand): 5'-AGAATGTTTTTCTGCAGAAAGAGGAGAGGTTGCTTCCAGGCTAAGACTCTTAGGTTGACT[T>G]AGAATCTCACTTTCCTGAAGATTTTCATTCCTGCCATCAAGAGTGTCACTGGGAGATTTT-3'
Protein context (NP_078951.2, residues 365-385): RNENLQESEI[Leu375=]SQPKSLSLEA